The following is an entry in ClinVar:

NM_000057.4(BLM):c.4142C>T (p.Ser1381Leu)

Gene: BLM (BLM RecQ like helicase; plus strand). Cytogenetic location: 15q26.1.
Variant type: single nucleotide variant.
Coding change: c.4142C>T on transcript NM_000057.4 (MANE Select); coding-DNA position 4142, C replaced by T.
Protein change: p.Ser1381Leu; replaces serine 1381 with leucine.
Molecular consequence: missense variant.
Genome position (GRCh38, 1-based): chr15:90,815,167, C>T. VCF-style: chr15-90815167-C-T. GRCh37 (hg19) VCF-style: chr15-91358397-C-T.
Other names: c.4142C>T, p.Ser1381Leu (NM_001287246.2); c.3749C>T, p.Ser1250Leu (NM_001287247.2); c.3017C>T, p.Ser1006Leu (NM_001287248.2); short protein forms S1381L, S1006L, S1250L.
Identifiers: ClinVar variation 1435250 (VCV001435250.9), dbSNP rs1277229461, ClinGen allele CA393852317.
Genomic context (GRCh38, chr15:90,815,167, plus strand): 5'-CTGCCACATGTAGAAAGATATCTTCCAAAACGAAATCCTCCAGCATCATTGGATCCAGTT[C>T]AGCCTCACATACTTCTCAAGCGACATCAGGAGCCAATAGCAAATTGGGGATTATGGCTCC-3'
Protein context (NP_000048.1, residues 1371-1391): TKSSSIIGSS[Ser1381Leu]ASHTSQATSG

ClinVar aggregate classification (germline): Uncertain significance. Review status: criteria provided, multiple submitters, no conflicts (2 of 4 stars). 3 submissions from 3 submitters: Uncertain significance (3). Last evaluated 2024-06-20.

Conditions:
Hereditary cancer-predisposing syndrome. Also called: Tumor predisposition; Hereditary neoplastic syndrome; Neoplastic Syndromes, Hereditary; Hereditary Cancer Syndrome. Identifiers: Orphanet 140162, MedGen C0027672, MeSH D009386, MONDO:0015356.
Bloom syndrome (BLM). Also called: Bloom-Torre-Machacek syndrome. Identifiers: Orphanet 125, MedGen C0005859, MONDO:0008876, OMIM 210900.

Allele frequency attached by ClinVar (database versions not stated): gnomAD exomes below 0.00001.
gnomAD v4.1: 1 of 1,614,160 alleles (0.000062%); highest among the groups gnomAD compares: East Asian, 0.0022%; no homozygotes.

Submissions (3):

Blueprint Genetics
Classification: Uncertain significance. Last evaluated: 2024-06-20. Review status: criteria provided, single submitter. Criteria: ACMG Guidelines, 2015. Collection method: clinical testing. Allele origin: germline.

Labcorp Genetics (formerly Invitae), Labcorp
Classification: Uncertain significance for Bloom syndrome. Last evaluated: 2023-09-13. Review status: criteria provided, single submitter. Criteria: Invitae Variant Classification Sherloc (09022015). Collection method: clinical testing. Allele origin: germline.
Comment: In summary, the available evidence is currently insufficient to determine the role of this variant in disease. Therefore, it has been classified as a Variant of Uncertain Significance. Advanced modeling of protein sequence and biophysical properties (such as structural, functional, and spatial information, amino acid conservation, physicochemical variation, residue mobility, and thermodynamic stability) performed at Invitae indicates that this missense variant is not expected to disrupt BLM protein function. ClinVar contains an entry for this variant (Variation ID: 1435250). This variant has not been reported in the literature in individuals affected with BLM-related conditions. This variant is not present in population databases (gnomAD no frequency). This sequence change replaces serine, which is neutral and polar, with leucine, which is neutral and non-polar, at codon 1381 of the BLM protein (p.Ser1381Leu).

Ambry Genetics
Classification: Uncertain significance for Hereditary cancer-predisposing syndrome. Last evaluated: 2020-09-02. Review status: criteria provided, single submitter. Criteria: Ambry Variant Classification Scheme 2023. Collection method: clinical testing. Allele origin: germline.
Comment: The p.S1381L variant (also known as c.4142C>T), located in coding exon 21 of the BLM gene, results from a C to T substitution at nucleotide position 4142. The serine at codon 1381 is replaced by leucine, an amino acid with dissimilar properties. This amino acid position is well conserved in available vertebrate species. In addition, this alteration is predicted to be tolerated by in silico analysis. Since supporting evidence is limited at this time, the clinical significance of this alteration remains unclear.